The following is an entry in ClinVar:

NM_001042492.3(NF1):c.4949C>T (p.Pro1650Leu)

Gene: NF1 (neurofibromin 1; plus strand). Cytogenetic location: 17q11.2.
Variant type: single nucleotide variant.
Coding change: c.4949C>T on transcript NM_001042492.3 (MANE Select); coding-DNA position 4949, C replaced by T.
Protein change: p.Pro1650Leu; replaces proline 1650 with leucine.
Molecular consequence: missense variant.
Genome position (GRCh38, 1-based): chr17:31,325,933, C>T. VCF-style: chr17-31325933-C-T. GRCh37 (hg19) VCF-style: chr17-29652951-C-T.
Other names: c.4886C>T, p.Pro1629Leu (NM_000267.4); short protein forms P1629L, P1650L.
Identifiers: ClinVar variation 652212 (VCV000652212.11), dbSNP rs1597829723, ClinGen allele CA399007173.
Genomic context (GRCh38, chr17:31,325,933, plus strand): 5'-CTTTAAAGCCATATTATGCAAAGCCATATGAAATTGTAGTGGACCTTACCCATACCGGGC[C>T]TAGCAATCGCTTTAAAACAGACTTTCTCTCTAAGTGGTTTGTTGTTTTTCCTGGCTTTGC-3'
Protein context (NP_001035957.1, residues 1640-1660): EIVVDLTHTG[Pro1650Leu]SNRFKTDFLS

ClinVar aggregate classification (germline): Uncertain significance. Review status: criteria provided, multiple submitters, no conflicts (2 of 4 stars). 2 submissions from 2 submitters: Uncertain significance (2). Last evaluated 2026-07-08.

Conditions:
Neurofibromatosis, type 1 (NF1). Also called: VON RECKLINGHAUSEN DISEASE; Neurofibromatosis, type I; Peripheral type neurofibromatosis; NEUROFIBROMATOSIS, TYPE I, SOMATIC. Identifiers: Orphanet 636, MedGen C0027831, MONDO:0018975, OMIM 162200. Disease mechanism: loss of function.
Hereditary cancer-predisposing syndrome. Also called: Neoplastic Syndromes, Hereditary; Hereditary Cancer Syndrome; Hereditary neoplastic syndrome; Tumor predisposition. Identifiers: Orphanet 140162, MedGen C0027672, MeSH D009386, MONDO:0015356.
Cardiovascular phenotype. Identifiers: MedGen CN230736.

gnomAD v4.1: 1 of 1,614,186 alleles (0.000062%); no homozygotes.

Submissions (2):

Ambry Genetics
Classification: Uncertain significance for Cardiovascular phenotype; Hereditary cancer-predisposing syndrome. Last evaluated: 2026-07-08. Review status: criteria provided, single submitter. Criteria: Ambry Variant Classification Scheme 2023. Collection method: clinical testing. Allele origin: germline.

Labcorp Genetics (formerly Invitae), Labcorp
Classification: Uncertain significance for Neurofibromatosis, type 1. Last evaluated: 2025-03-09. Review status: criteria provided, single submitter. Criteria: Invitae Variant Classification Sherloc (09022015). Collection method: clinical testing. Allele origin: germline.
Comment: This sequence change replaces proline, which is neutral and non-polar, with leucine, which is neutral and non-polar, at codon 1629 of the NF1 protein (p.Pro1629Leu). This variant is not present in population databases (gnomAD no frequency). This variant has not been reported in the literature in individuals affected with NF1-related conditions. ClinVar contains an entry for this variant (Variation ID: 652212). Invitae Evidence Modeling of protein sequence and biophysical properties (such as structural, functional, and spatial information, amino acid conservation, physicochemical variation, residue mobility, and thermodynamic stability) has been performed for this missense variant. However, the output from this modeling did not meet the statistical confidence thresholds required to predict the impact of this variant on NF1 protein function. In summary, the available evidence is currently insufficient to determine the role of this variant in disease. Therefore, it has been classified as a Variant of Uncertain Significance.